The following is an entry in ClinVar:

ClinVar aggregate classification (germline): Uncertain significance (1 of 4 stars; one submission).

Allele frequency attached by ClinVar (database versions not stated): gnomAD exomes below 0.00001.
gnomAD v4.1: 3 of 1,609,142 alleles (0.00019%); highest among the groups gnomAD compares: Non-Finnish European, 0.00025%; no homozygotes.

Submission:

Labcorp Genetics (formerly Invitae), Labcorp
Classification: Uncertain significance. Last evaluated: 2022-11-14. Review status: criteria provided, single submitter. Criteria: Invitae Variant Classification Sherloc (09022015). Collection method: clinical testing. Allele origin: germline.
Comment: This variant is not present in population databases (gnomAD no frequency). This variant has not been reported in the literature in individuals affected with ANGPT1-related conditions. In summary, the available evidence is currently insufficient to determine the role of this variant in disease. Therefore, it has been classified as a Variant of Uncertain Significance. This sequence change creates a premature translational stop signal (p.Gln176*) in the ANGPT1 gene. It is expected to result in an absent or disrupted protein product. However, the current clinical and genetic evidence is not sufficient to establish whether loss-of-function variants in ANGPT1 cause disease.

NM_001146.5(ANGPT1):c.526C>T (p.Gln176Ter)

Gene: ANGPT1 (angiopoietin 1; minus strand). Cytogenetic location: 8q23.1.
Variant type: single nucleotide variant.
Coding change: c.526C>T on transcript NM_001146.5 (MANE Select); coding-DNA position 526, C replaced by T.
Protein change: p.Gln176Ter; replaces glutamine 176 with a stop codon.
Molecular consequence: nonsense. On other transcripts: 5 prime UTR variant (1).
Genome position (GRCh38, 1-based): chr8:107,336,199, G>A on the plus strand (C>T on the coding strand, the complement: ANGPT1 is on the minus strand). VCF-style: chr8-107336199-G-A. GRCh37 (hg19) VCF-style: chr8-108348427-G-A.
Other names: c.526C>T, p.Gln176Ter (NM_001199859.3); c.-75C>T (NM_001314051.2); short protein forms Q176*.
Identifiers: ClinVar variation 3005722 (VCV003005722.3), dbSNP rs2488284578, ClinGen allele CA372034542.